The following is an entry in ClinVar:

ClinVar aggregate classification (germline): Uncertain significance (1 of 4 stars; one submission).

Conditions:
Myofibrillar myopathy 5. Also called: Filaminopathy (type); FILAMINOPATHY, AUTOSOMAL DOMINANT. Identifiers: Orphanet 171445, MedGen C1836050, MONDO:0012289, OMIM 609524.
Distal myopathy with posterior leg and anterior hand involvement. Also called: WILLIAMS DISTAL MYOPATHY. Identifiers: Orphanet 63273, MedGen C3279722, MONDO:0013550, OMIM 614065.
Hypertrophic cardiomyopathy 26. Also called: Cardiomyopathy, familial hypertrophic, 26. Identifiers: Orphanet 75249, MedGen C4310749, MONDO:0014883, OMIM 617047.

Allele frequency attached by ClinVar (database versions not stated): gnomAD exomes below 0.00001.
gnomAD v4.1: 1 of 1,604,730 alleles (0.000062%); highest among the groups gnomAD compares: Non-Finnish European, 0.000085%; no homozygotes.

Submission:

Labcorp Genetics (formerly Invitae), Labcorp
Classification: Uncertain significance for Distal myopathy with posterior leg and anterior hand involvement; Myofibrillar myopathy 5; Hypertrophic cardiomyopathy 26. Last evaluated: 2022-07-05. Review status: criteria provided, single submitter. Criteria: Invitae Variant Classification Sherloc (09022015). Collection method: clinical testing. Allele origin: germline.
Comment: In summary, the available evidence is currently insufficient to determine the role of this variant in disease. Therefore, it has been classified as a Variant of Uncertain Significance. Algorithms developed to predict the effect of missense changes on protein structure and function are either unavailable or do not agree on the potential impact of this missense change (SIFT: "Deleterious"; PolyPhen-2: "Possibly Damaging"; Align-GVGD: "Class C0"). This variant has not been reported in the literature in individuals affected with FLNC-related conditions. This variant is not present in population databases (gnomAD no frequency). This sequence change replaces serine, which is neutral and polar, with proline, which is neutral and non-polar, at codon 1063 of the FLNC protein (p.Ser1063Pro).

NM_001458.5(FLNC):c.3187T>C (p.Ser1063Pro)

Gene: FLNC (filamin C; plus strand). Cytogenetic location: 7q32.1.
Variant type: single nucleotide variant.
Coding change: c.3187T>C on transcript NM_001458.5 (MANE Select); coding-DNA position 3187, T replaced by C.
Protein change: p.Ser1063Pro; replaces serine 1063 with proline.
Molecular consequence: missense variant.
Genome position (GRCh38, 1-based): chr7:128,844,261, T>C. VCF-style: chr7-128844261-T-C. GRCh37 (hg19) VCF-style: chr7-128484315-T-C.
Other names: c.3187T>C, p.Ser1063Pro (NM_001127487.2); short protein forms S1063P.
Identifiers: ClinVar variation 2014286 (VCV002014286.4), dbSNP rs2536636022, ClinGen allele CA369194800.